The following is an entry in ClinVar:

ClinVar aggregate classification (germline): Uncertain significance. Review status: criteria provided, multiple submitters, no conflicts (2 of 4 stars). 2 submissions from 2 submitters: Uncertain significance (2). Last evaluated 2024-09-20.

Conditions:
Familial cancer of breast. Also called: BREAST CANCER, FAMILIAL; Hereditary breast cancer; hereditary breast carcinoma. Identifiers: Orphanet 227535, MedGen C0346153, MONDO:0016419, OMIM 114480. Disease mechanism: loss of function.
Hereditary cancer-predisposing syndrome. Also called: Tumor predisposition; Neoplastic Syndromes, Hereditary; Hereditary Cancer Syndrome; Hereditary neoplastic syndrome. Identifiers: Orphanet 140162, MedGen C0027672, MeSH D009386, MONDO:0015356.

Submissions (2):

Ambry Genetics
Classification: Uncertain significance for Hereditary cancer-predisposing syndrome. Last evaluated: 2024-09-20. Review status: criteria provided, single submitter. Criteria: Ambry Variant Classification Scheme 2023. Collection method: clinical testing. Allele origin: germline.
Comment: The p.D488G variant (also known as c.1463A>G), located in coding exon 13 of the CHEK2 gene, results from an A to G substitution at nucleotide position 1463. The aspartic acid at codon 488 is replaced by glycine, an amino acid with similar properties. This amino acid position is conserved. In addition, the in silico prediction for this alteration is inconclusive. Based on the available evidence, the clinical significance of this variant remains unclear.

Labcorp Genetics (formerly Invitae), Labcorp
Classification: Uncertain significance for Familial cancer of breast. Last evaluated: 2024-06-05. Review status: criteria provided, single submitter. Criteria: Invitae Variant Classification Sherloc (09022015). Collection method: clinical testing. Allele origin: germline.
Comment: This sequence change replaces aspartic acid, which is acidic and polar, with glycine, which is neutral and non-polar, at codon 488 of the CHEK2 protein (p.Asp488Gly). This variant is not present in population databases (gnomAD no frequency). This variant has not been reported in the literature in individuals affected with CHEK2-related conditions. An algorithm developed to predict the effect of missense changes on protein structure and function (PolyPhen-2) suggests that this variant is likely to be disruptive. In summary, the available evidence is currently insufficient to determine the role of this variant in disease. Therefore, it has been classified as a Variant of Uncertain Significance.

NM_007194.4(CHEK2):c.1463A>G (p.Asp488Gly)

Gene: CHEK2 (checkpoint kinase 2; minus strand). Cytogenetic location: 22q12.1.
Variant type: single nucleotide variant.
Coding change: c.1463A>G on transcript NM_007194.4 (MANE Select); coding-DNA position 1463, A replaced by G.
Protein change: p.Asp488Gly; replaces aspartic acid 488 with glycine.
Molecular consequence: missense variant.
Genome position (GRCh38, 1-based): chr22:28,689,214, T>C on the plus strand (A>G on the coding strand, the complement: CHEK2 is on the minus strand). VCF-style: chr22-28689214-T-C. GRCh37 (hg19) VCF-style: chr22-29085202-T-C.
Other names: c.1592A>G, p.Asp531Gly (NM_001005735.3); c.800A>G, p.Asp267Gly (NM_001257387.3); c.1262A>G, p.Asp421Gly (NM_001349956.3); c.1376A>G, p.Asp459Gly (NM_145862.3); short protein forms D267G, D421G, D488G, D531G, D459G.
Identifiers: ClinVar variation 3492167 (VCV003492167.3).